The following is an entry in ClinVar:

ClinVar aggregate classification (germline): Uncertain significance (1 of 4 stars; one submission).

Submission:

GeneDx
Classification: Uncertain significance. Last evaluated: 2023-07-28. Review status: criteria provided, single submitter. Criteria: GeneDx Variant Classification Process June 2021. Collection method: clinical testing. Allele origin: germline. Affected: yes.
Comment: Not observed at significant frequency in large population cohorts (gnomAD); In silico analysis supports that this variant does not alter splicing; Has not been previously published as pathogenic or benign to our knowledge; Also known as 2468C>T

NM_007294.4(BRCA1):c.2349C>T (p.Ile783=)

Gene: BRCA1 (BRCA1 DNA repair associated; minus strand). Cytogenetic location: 17q21.31.
Variant type: single nucleotide variant.
Coding change: c.2349C>T on transcript NM_007294.4 (MANE Select); coding-DNA position 2349, C replaced by T.
Protein change: p.Ile783=; no amino-acid change (isoleucine 783 retained).
Molecular consequence: synonymous variant. On other transcripts: intron variant (137).
Genome position (GRCh38, 1-based): chr17:43,093,182, G>A on the plus strand (C>T on the coding strand, the complement: BRCA1 is on the minus strand). VCF-style: chr17-43093182-G-A. GRCh37 (hg19) VCF-style: chr17-41245199-G-A.
Other names: c.2136C>T, p.Ile712= (NM_001407571.1, NM_001407853.1, NM_001407894.1 and 9 more transcripts); c.2349C>T, p.Ile783= (NM_001407581.1, NM_001407582.1, NM_001407583.1 and 30 more transcripts); c.2346C>T, p.Ile782= (NM_001407587.1, NM_001407590.1, NM_001407591.1 and 22 more transcripts); c.2340C>T, p.Ile780= (NM_001407646.1, NM_001407647.1); c.2226C>T, p.Ile742= (NM_001407648.1, NM_001407664.1, NM_001407665.1 and 19 more transcripts); c.2223C>T, p.Ile741= (NM_001407649.1, NM_001407670.1, NM_001407671.1 and 11 more transcripts); c.2271C>T, p.Ile757= (NM_001407653.1, NM_001407654.1, NM_001407655.1 and 4 more transcripts); c.2268C>T, p.Ile756= (NM_001407659.1, NM_001407660.1, NM_001407661.1 and 1 more transcripts); and 41 more.
Identifiers: ClinVar variation 3361704 (VCV003361704.1).